The following is an entry in ClinVar:

NM_014336.5(AIPL1):c.59G>A (p.Gly20Asp)

Gene: AIPL1 (AIP like 1 HSP90 co-chaperone; minus strand). Cytogenetic location: 17p13.2.
Variant type: single nucleotide variant.
Coding change: c.59G>A on transcript NM_014336.5 (MANE Select); coding-DNA position 59, G replaced by A.
Protein change: p.Gly20Asp; replaces glycine 20 with aspartic acid.
Molecular consequence: missense variant. On other transcripts: 5 prime UTR variant (1).
Genome position (GRCh38, 1-based): chr17:6,435,046, C>T on the plus strand (G>A on the coding strand, the complement: AIPL1 is on the minus strand). VCF-style: chr17-6435046-C-T. GRCh37 (hg19) VCF-style: chr17-6338366-C-T.
Other names: c.59G>A, p.Gly20Asp (NM_001033054.3, NM_001033055.3, NM_001285399.3 and 3 more transcripts); c.-117G>A (NM_001285402.2); short protein forms G20D.
Identifiers: ClinVar variation 1022884 (VCV001022884.11), dbSNP rs1036750099, ClinGen allele CA397397812.

ClinVar aggregate classification (germline): Uncertain significance. Review status: criteria provided, multiple submitters, no conflicts (2 of 4 stars). 2 submissions from 2 submitters: Uncertain significance (2). Last evaluated 2025-09-26.

Conditions:
Leber congenital amaurosis 4 (LCA4). Identifiers: MedGen C1858386, MONDO:0011458, OMIM 604393.

gnomAD v4.1: 2 of 1,614,178 alleles (0.00012%); highest among the groups gnomAD compares: Non-Finnish European, 0.00017%; no homozygotes.

Submissions (2):

Labcorp Genetics (formerly Invitae), Labcorp
Classification: Uncertain significance for Leber congenital amaurosis 4. Last evaluated: 2025-09-26. Review status: criteria provided, single submitter. Criteria: Invitae Variant Classification Sherloc (09022015). Collection method: clinical testing. Allele origin: germline.
Comment: This sequence change replaces glycine, which is neutral and non-polar, with aspartic acid, which is acidic and polar, at codon 20 of the AIPL1 protein (p.Gly20Asp). This variant is not present in population databases (gnomAD no frequency). This variant has not been reported in the literature in individuals affected with AIPL1-related conditions. ClinVar contains an entry for this variant (Variation ID: 1022884). Invitae Evidence Modeling of protein sequence and biophysical properties (such as structural, functional, and spatial information, amino acid conservation, physicochemical variation, residue mobility, and thermodynamic stability) indicates that this missense variant is expected to disrupt AIPL1 protein function with a positive predictive value of 95%. In summary, the available evidence is currently insufficient to determine the role of this variant in disease. Therefore, it has been classified as a Variant of Uncertain Significance.

Blueprint Genetics
Classification: Uncertain significance. Last evaluated: 2022-09-12. Review status: criteria provided, single submitter. Criteria: ACMG Guidelines, 2015. Collection method: clinical testing. Allele origin: germline.